The following is an entry in ClinVar:

NM_139057.4(ADAMTS17):c.665G>A (p.Arg222Gln)

Gene: ADAMTS17 (ADAM metallopeptidase with thrombospondin type 1 motif 17; minus strand). Cytogenetic location: 15q26.3.
Variant type: single nucleotide variant.
Coding change: c.665G>A on transcript NM_139057.4 (MANE Select); coding-DNA position 665, G replaced by A.
Protein change: p.Arg222Gln; replaces arginine 222 with glutamine.
Molecular consequence: missense variant.
Genome position (GRCh38, 1-based): chr15:100,281,353, C>T on the plus strand (G>A on the coding strand, the complement: ADAMTS17 is on the minus strand). VCF-style: chr15-100281353-C-T. GRCh37 (hg19) VCF-style: chr15-100821558-C-T.
Other names: c.665G>A (NM_139057.2); short protein forms R222Q.
Identifiers: ClinVar variation 1411352 (VCV001411352.5), dbSNP rs372097810, ClinGen allele CA7758623.

ClinVar aggregate classification (germline): Uncertain significance. Review status: criteria provided, multiple submitters, no conflicts (2 of 4 stars). 3 submissions from 3 submitters: Uncertain significance (3). Last evaluated 2024-11-20.

Conditions:
Inborn genetic diseases. Identifiers: MedGen C0950123, MeSH D030342.

Allele frequency attached by ClinVar (database versions not stated): ExAC 0.00004; gnomAD exomes 0.00007; ESP Exome Variant Server 0.00008; TOPMed 0.00014; gnomAD 0.00015 and 0.00016.
gnomAD v4.1: 117 of 1,610,294 alleles (0.0073%); highest among the groups gnomAD compares: African/African-American, 0.031%; no homozygotes.

Submissions (3):

Blueprint Genetics
Classification: Uncertain significance. Last evaluated: 2024-11-20. Review status: criteria provided, single submitter. Criteria: ACMG Guidelines, 2015. Collection method: clinical testing. Allele origin: germline.

Labcorp Genetics (formerly Invitae), Labcorp
Classification: Uncertain significance. Last evaluated: 2022-08-16. Review status: criteria provided, single submitter. Criteria: Invitae Variant Classification Sherloc (09022015). Collection method: clinical testing. Allele origin: germline.
Comment: This sequence change replaces arginine, which is basic and polar, with glutamine, which is neutral and polar, at codon 222 of the ADAMTS17 protein (p.Arg222Gln). This variant is present in population databases (rs372097810, gnomAD 0.05%). This variant has not been reported in the literature in individuals affected with ADAMTS17-related conditions. ClinVar contains an entry for this variant (Variation ID: 1411352). Algorithms developed to predict the effect of missense changes on protein structure and function are either unavailable or do not agree on the potential impact of this missense change (SIFT: "Not Available"; PolyPhen-2: "Probably Damaging"; Align-GVGD: "Not Available"). In summary, the available evidence is currently insufficient to determine the role of this variant in disease. Therefore, it has been classified as a Variant of Uncertain Significance.

Ambry Genetics
Classification: Uncertain significance for Inborn genetic diseases. Last evaluated: 2021-08-12. Review status: criteria provided, single submitter. Criteria: Ambry Variant Classification Scheme 2023. Collection method: clinical testing. Allele origin: germline.